The following is an entry in ClinVar:

ClinVar aggregate classification (germline): Benign. Review status: criteria provided, single submitter (1 of 4 stars). 2 submissions from 2 submitters: Benign (1). 1 of the submissions does not count toward it. Last evaluated 2025-11-25.

Conditions:
Dystonia 12 (DYT12). Also called: DYT-ATP1A3; Rapid-Onset Dystonia-Parkinsonism (RDP). Identifiers: Orphanet 71517, MedGen C1868681, MONDO:0007496, OMIM 128235.
ATP1A3-related disorder. Also called: ATP1A3-related condition; ATP1A3-related disorders. Identifiers: MedGen CN381097.

Allele frequency attached by ClinVar (database versions not stated): TOPMed 0.00021; ESP Exome Variant Server 0.00031; 1000 Genomes Project 0.00080; 1000 Genomes Project 30x 0.00094.
gnomAD v4.1: 56 of 1,613,996 alleles (0.0035%); highest among the groups gnomAD compares: African/African-American, 0.073%; no homozygotes.

Submissions (2):

Labcorp Genetics (formerly Invitae), Labcorp
Classification: Benign for Dystonia 12. Last evaluated: 2025-11-25. Review status: criteria provided, single submitter. Criteria: Invitae Variant Classification Sherloc (09022015). Collection method: clinical testing. Allele origin: germline.

PreventionGenetics, part of Exact Sciences
Classification: Likely benign for ATP1A3-related condition. Last evaluated: 2019-12-26. Review status: no assertion criteria provided. Collection method: clinical testing. Allele origin: germline. Not counted in ClinVar's aggregate classification.
Comment: This variant is classified as likely benign based on ACMG/AMP sequence variant interpretation guidelines (Richards et al. 2015 PMID: 25741868, with internal and published modifications).

NM_152296.5(ATP1A3):c.2095-10C>T

Gene: ATP1A3 (ATPase Na+/K+ transporting subunit alpha 3; minus strand). Cytogenetic location: 19q13.2.
Variant type: single nucleotide variant.
Coding change: c.2095-10C>T on transcript NM_152296.5 (MANE Select); 10 bases into the intron before coding-DNA position 2095, C replaced by T.
Molecular consequence: intron variant.
Genome position (GRCh38, 1-based): chr19:41,975,807, G>A on the plus strand (C>T on the coding strand, the complement: ATP1A3 is on the minus strand). VCF-style: chr19-41975807-G-A. GRCh37 (hg19) VCF-style: chr19-42479959-G-A.
Other names: c.2134-10C>T (NM_001256214.2, NM_001256214.1); c.2128-10C>T (NM_001256213.2).
Identifiers: ClinVar variation 696523 (VCV000696523.12), dbSNP rs201423892, ClinGen allele CA9467471.